The following is an entry in ClinVar:

NM_001127222.2(CACNA1A):c.767G>T (p.Cys256Phe)

Gene: CACNA1A (calcium voltage-gated channel subunit alpha1 A; minus strand). Cytogenetic location: 19p13.13.
Variant type: single nucleotide variant.
Coding change: c.767G>T on transcript NM_001127222.2 (MANE Select); coding-DNA position 767, G replaced by T.
Protein change: p.Cys256Phe; replaces cysteine 256 with phenylalanine.
Molecular consequence: missense variant.
Genome position (GRCh38, 1-based): chr19:13,365,334, C>A on the plus strand (G>T on the coding strand, the complement: CACNA1A is on the minus strand). VCF-style: chr19-13365334-C-A. GRCh37 (hg19) VCF-style: chr19-13476148-C-A.
Other names: c.767G>T, p.Cys256Phe (NM_000068.4, NM_001127221.2, NM_001174080.2 and 1 more transcripts); short protein forms C256F.
Identifiers: ClinVar variation 839719 (VCV000839719.10), dbSNP rs2059189489, ClinGen allele CA404348279.
Genomic context (GRCh38, chr19:13,365,334, plus strand): 5'-GAAGGAGAAAACTGGAAAGATGCATCATGCTCCGTGGACCTACCTGTCCCCTCTTCAAAG[C>A]AGGTGGTATGAAATTTTCCCATATAAAATTCTAACCCTATGATTGCAAAAATAAGGATTG-3'
Protein context (NP_001120694.1, residues 246-266): EFYMGKFHTT[Cys256Phe]FEEGTDDIQG

ClinVar aggregate classification (germline): Uncertain significance (1 of 4 stars; one submission).

Conditions:
Episodic ataxia type 2 (EA2). Also called: ACETAZOLAMIDE-RESPONSIVE HEREDITARY PAROXYSMAL CEREBELLAR ATAXIA; ATAXIA, EPISODIC, WITH NYSTAGMUS; ATAXIA, FAMILIAL PAROXYSMAL; CEREBELLAR ATAXIA, PAROXYSMAL, ACETAZOLAMIDE-RESPONSIVE; CEREBELLOPATHY, HEREDITARY PAROXYSMAL; EPISODIC ATAXIA, NYSTAGMUS-ASSOCIATED. Identifiers: Orphanet 97, MedGen C1720416, MONDO:0007163, OMIM 108500.
Developmental and epileptic encephalopathy, 42 (DEE42A). Also called: DEVELOPMENTAL AND EPILEPTIC ENCEPHALOPATHY 42A; EPILEPTIC ENCEPHALOPATHY, EARLY INFANTILE, 42A; Epileptic encephalopathy, early infantile, 42. Identifiers: MedGen C4310716, MONDO:0014917, OMIM 617106.

Submission:

Labcorp Genetics (formerly Invitae), Labcorp
Classification: Uncertain significance for Developmental and epileptic encephalopathy, 42; Episodic ataxia type 2. Last evaluated: 2019-11-27. Review status: criteria provided, single submitter. Criteria: Invitae Variant Classification Sherloc (09022015). Collection method: clinical testing. Allele origin: germline.
Comment: Algorithms developed to predict the effect of missense changes on protein structure and function (SIFT, PolyPhen-2, Align-GVGD) all suggest that this variant is likely to be disruptive, but these predictions have not been confirmed by published functional studies and their clinical significance is uncertain. In summary, the available evidence is currently insufficient to determine the role of this variant in disease. Therefore, it has been classified as a Variant of Uncertain Significance. This variant has not been reported in the literature in individuals with CACNA1A-related conditions. This variant is not present in population databases (ExAC no frequency). This sequence change replaces cysteine with phenylalanine at codon 256 of the CACNA1A protein (p.Cys256Phe). The cysteine residue is highly conserved and there is a large physicochemical difference between cysteine and phenylalanine.